The following is an entry in ClinVar:

ClinVar aggregate classification (germline): Uncertain significance (1 of 4 stars; one submission).

Conditions:
Epilepsy. Also called: Seizure disorder. Identifiers: MedGen C0014544, MeSH D004827, MONDO:0005027.

Allele frequency attached by ClinVar (database versions not stated): gnomAD exomes 0.00001; TOPMed 0.00001.
gnomAD v4.1: 8 of 1,599,700 alleles (0.0005%); highest among the groups gnomAD compares: Non-Finnish European, 0.00068%; no homozygotes.

Submission:

Labcorp Genetics (formerly Invitae), Labcorp
Classification: Uncertain significance for Epilepsy. Last evaluated: 2022-04-30. Review status: criteria provided, single submitter. Criteria: Invitae Variant Classification Sherloc (09022015). Collection method: clinical testing. Allele origin: germline.
Comment: This sequence change replaces alanine, which is neutral and non-polar, with serine, which is neutral and polar, at codon 510 of the PIGQ protein (p.Ala510Ser). This variant is not present in population databases (gnomAD no frequency). This variant has not been reported in the literature in individuals affected with PIGQ-related conditions. ClinVar contains an entry for this variant (Variation ID: 1034443). Algorithms developed to predict the effect of missense changes on protein structure and function output the following: SIFT: "Tolerated"; PolyPhen-2: "Benign"; Align-GVGD: "Class C0". The serine amino acid residue is found in multiple mammalian species, which suggests that this missense change does not adversely affect protein function. In summary, the available evidence is currently insufficient to determine the role of this variant in disease. Therefore, it has been classified as a Variant of Uncertain Significance.

NM_004204.5(PIGQ):c.1528G>T (p.Ala510Ser)

Gene: PIGQ (phosphatidylinositol glycan anchor biosynthesis class Q; plus strand). Cytogenetic location: 16p13.3.
Variant type: single nucleotide variant.
Coding change: c.1528G>T on transcript NM_004204.5 (MANE Select); coding-DNA position 1528, G replaced by T.
Protein change: p.Ala510Ser; replaces alanine 510 with serine.
Molecular consequence: missense variant.
Genome position (GRCh38, 1-based): chr16:580,969, G>T. VCF-style: chr16-580969-G-T. GRCh37 (hg19) VCF-style: chr16-630969-G-T.
Other names: c.1528G>T, p.Ala510Ser (NM_148920.4); short protein forms A510S.
Identifiers: ClinVar variation 1034443 (VCV001034443.6), dbSNP rs199901158, ClinGen allele CA276487624.